The following is an entry in ClinVar:

NM_007294.4(BRCA1):c.5434_5449del (p.Pro1812fs)

Gene: BRCA1 (BRCA1 DNA repair associated; minus strand). Cytogenetic location: 17q21.31.
Variant type: Deletion.
Coding change: c.5434_5449del on transcript NM_007294.4 (MANE Select); coding-DNA positions 5434 to 5449, 16 bases deleted (CCAGATGCCTGGACAG).
Protein change: p.Pro1812fs; shifts the reading frame from proline 1812.
Molecular consequence: frameshift variant. On other transcripts: non-coding transcript variant (1).
Genome position (GRCh38, 1-based): chr17:43,047,661-43,047,676, CTGTCCAGGCATCTGG deleted on the plus strand (CCAGATGCCTGGACAG on the coding strand, the reverse complement: BRCA1 is on the minus strand); deleting any 16 consecutive bases within chr17:43,047,661-43,047,679 gives the same sequence; the c. name uses the placement nearest the transcript's 3' end. VCF-style (leftmost placement, unchanged base first): chr17-43047660-TCTGTCCAGGCATCTGG-T. GRCh37 (hg19) VCF-style: chr17-41199677-TCTGTCCAGGCATCTGG-T.
Other names: c.5218_5233del16, p.Pro1741Argfs (NM_001407571.1, NM_001407894.1, NM_001407895.1 and 12 more transcripts); c.5497_5512del16, p.Pro1834Argfs (NM_001407581.1, NM_001407582.1); c.5494_5509del16, p.Pro1833Argfs (NM_001407583.1, NM_001407585.1, NM_001407587.1); c.5491_5506del16, p.Pro1832Argfs (NM_001407590.1, NM_001407591.1); c.5431_5446del16, p.Pro1812Argfs (NM_001407593.1, NM_001407594.1, NM_001407596.1 and 5 more transcripts); c.5428_5443del16, p.Pro1811Argfs (NM_001407610.1, NM_001407611.1, NM_001407612.1 and 14 more transcripts); c.5425_5440del16, p.Pro1810Argfs (NM_001407627.1, NM_001407628.1, NM_001407629.1 and 13 more transcripts); c.5422_5437del16, p.Pro1809Argfs (NM_001407644.1, NM_001407645.1); and 86 more; short protein forms A683fs, P1765fs, P1833fs, P1812fs, P708fs.
Identifiers: ClinVar variation 1375839 (VCV001375839.9), dbSNP rs2152780514, ClinGen allele CA2573154022.
Genomic context (GRCh38, chr17:43,047,660, plus strand): 5'-GCAAAAGGACCCCATATAGCACAGGTACATGCAGGCACCTTACCATGGAAGCCATTGTCC[TCTGTCCAGGCATCTGG>T]CTGCACAACCACAATTGGGTGGACACCCTGGATCCCCAGGAAGGAAAGAGCATTCAAAGT-3'

ClinVar aggregate classification (germline): Pathogenic (1 of 4 stars; one submission).

Conditions:
Hereditary breast ovarian cancer syndrome. Also called: Hereditary breast and ovarian cancer; Hereditary breast and/or ovarian cancer syndrome; Hereditary breast and ovarian cancer syndrome; Hereditary breast and ovarian cancer syndrome (HBOC); Breast and ovarian cancer; BRCA1- and BRCA2-Associated Hereditary Breast and Ovarian Cancer. Identifiers: Orphanet 145, MedGen C0677776, MeSH D061325, MONDO:0003582. Disease mechanism: loss of function.

Submission:

Labcorp Genetics (formerly Invitae), Labcorp
Classification: Pathogenic for Hereditary breast ovarian cancer syndrome. Last evaluated: 2022-01-12. Review status: criteria provided, single submitter. Criteria: Invitae Variant Classification Sherloc (09022015). Collection method: clinical testing. Allele origin: germline.
Comment: This sequence change creates a premature translational stop signal (p.Pro1812Argfs*17) in the BRCA1 gene. While this is not anticipated to result in nonsense mediated decay, it is expected to disrupt the last 52 amino acid(s) of the BRCA1 protein. This variant is not present in population databases (gnomAD no frequency). This variant has not been reported in the literature in individuals affected with BRCA1-related conditions. This variant disrupts a region of the BRCA1 protein in which other variant(s) (p.Tyr1853*) have been determined to be pathogenic (PMID: 7894493, 10811118, 11739404, 12400015, 21922593; Invitae). This suggests that this is a clinically significant region of the protein, and that variants that disrupt it are likely to be disease-causing. For these reasons, this variant has been classified as Pathogenic.

Literature cited by the submitters: PubMed 7894493; PubMed 10811118; PubMed 11739404; PubMed 12400015; PubMed 21922593.